The following is an entry in ClinVar:

NM_024642.5(GALNT12):c.171C>T (p.Arg57=)

Gene: GALNT12 (polypeptide N-acetylgalactosaminyltransferase 12; plus strand). Cytogenetic location: 9q22.33.
Variant type: single nucleotide variant.
Coding change: c.171C>T on transcript NM_024642.5 (MANE Select); coding-DNA position 171, C replaced by T.
Protein change: p.Arg57=; no amino-acid change (arginine 57 retained).
Molecular consequence: synonymous variant.
Genome position (GRCh38, 1-based): chr9:98,807,869, C>T. VCF-style: chr9-98807869-C-T. GRCh37 (hg19) VCF-style: chr9-101570151-C-T.
Identifiers: ClinVar variation 730834 (VCV000730834.12), dbSNP rs1588436220, ClinGen allele CA466647414.
Genomic context (GRCh38, chr9:98,807,869, plus strand): 5'-GCGGGCGCAGCGTGGGGCCGGGGCCGGGGCTGCCGAGCCGGGACCCCCGCGCACCCCGCG[C>T]CCCGGGCGGCGCGAGCCGGTCATGCCGCGGCCGCCGGTGCCGGCGAACGCGCTGGGCGCG-3'
Protein context (NP_078918.3, residues 47-67): AAEPGPPRTP[Arg57=]PGRREPVMPR

ClinVar aggregate classification (germline): Benign/Likely benign. Review status: criteria provided, multiple submitters, no conflicts (2 of 4 stars). 3 submissions from 3 submitters: Benign (1); Likely benign (2). Last evaluated 2026-04-22.

Conditions:
Colorectal cancer, susceptibility to, 1. Also called: COLORECTAL ADENOMA AND CANCER, SUSCEPTIBILITY TO; COLORECTAL CANCER, SUSCEPTIBILITY TO, ON CHROMOSOME 9. Identifiers: MedGen C1837315, MONDO:0012132, OMIM 608812.

Allele frequency attached by ClinVar (database versions not stated): TOPMed below 0.00001; gnomAD 0.00001.
gnomAD v4.1: 3 of 1,019,562 alleles (0.00029%); highest among the groups gnomAD compares: Non-Finnish European, 0.00035%; no homozygotes.

Submissions (3):

Myriad Genetics, Inc.
Classification: Benign for Colorectal cancer, susceptibility to, 1. Last evaluated: 2026-04-22. Review status: criteria provided, single submitter. Criteria: Myriad Autosomal Dominant, Autosomal Recessive and X-Linked Classification Criteria (2023). Collection method: clinical testing. Allele origin: unknown.
Comment: This variant is considered benign. This variant is a silent/synonymous amino acid change and it is not expected to impact splicing.

Labcorp Genetics (formerly Invitae), Labcorp
Classification: Likely benign. Last evaluated: 2025-08-11. Review status: criteria provided, single submitter. Criteria: Invitae Variant Classification Sherloc (09022015). Collection method: clinical testing. Allele origin: germline.

Ambry Genetics
Classification: Likely benign. Last evaluated: 2022-03-12. Review status: criteria provided, single submitter. Criteria: Ambry Variant Classification Scheme 2023. Collection method: clinical testing. Allele origin: germline.